The following is an entry in ClinVar:

ClinVar aggregate classification (germline): Uncertain significance (1 of 4 stars; one submission).

Conditions:
Familial cancer of breast. Also called: hereditary breast carcinoma; BREAST CANCER, FAMILIAL; Hereditary breast cancer. Identifiers: Orphanet 227535, MedGen C0346153, MONDO:0016419, OMIM 114480. Disease mechanism: loss of function.

Submission:

Labcorp Genetics (formerly Invitae), Labcorp
Classification: Uncertain significance for Familial cancer of breast. Last evaluated: 2024-05-21. Review status: criteria provided, single submitter. Criteria: Invitae Variant Classification Sherloc (09022015). Collection method: clinical testing. Allele origin: germline.
Comment: This sequence change falls in intron 6 of the CHEK2 gene. It does not directly change the encoded amino acid sequence of the CHEK2 protein. It affects a nucleotide within the consensus splice site. This variant is not present in population databases (gnomAD no frequency). This variant has not been reported in the literature in individuals affected with CHEK2-related conditions. Variants that disrupt the consensus splice site are a relatively common cause of aberrant splicing (PMID: 17576681, 9536098). Algorithms developed to predict the effect of sequence changes on RNA splicing suggest that this variant may disrupt the consensus splice site. In summary, the available evidence is currently insufficient to determine the role of this variant in disease. Therefore, it has been classified as a Variant of Uncertain Significance.

Literature cited by the submitters: PubMed 17576681; PubMed 9536098.

NM_007194.4(CHEK2):c.792+4_792+7del

Gene: CHEK2 (checkpoint kinase 2; minus strand). Cytogenetic location: 22q12.1.
Variant type: Microsatellite.
Coding change: c.792+4_792+7del on transcript NM_007194.4 (MANE Select); bases 4 to 7 of the intron after coding-DNA position 792, 4 bases deleted (AGTA; older notation c.792+4_792+7delAGTA).
Molecular consequence: splice donor variant.
Genome position (GRCh38, 1-based): chr22:28,711,902-28,711,905, TACT deleted on the plus strand (AGTA on the coding strand, the reverse complement: CHEK2 is on the minus strand); deleting any 4 consecutive bases within chr22:28,711,902-28,711,909 gives the same sequence; the c. name uses the placement nearest the transcript's 3' end. VCF-style (leftmost placement, unchanged base first): chr22-28711901-GTACT-G. GRCh37 (hg19) VCF-style: chr22-29107889-GTACT-G.
Other names: c.129+4_129+7del (NM_001437942.1, NM_001257387.3); c.591+4_591+7del (NM_001349956.3); c.792+4_792+7del (NM_145862.3); c.885+4_885+7del (NM_001438295.1, NM_001438293.1); c.921+4_921+7del (NM_001438294.1, NM_001005735.3).
Identifiers: ClinVar variation 3654050 (VCV003654050.2).